The following is an entry in ClinVar:

ClinVar aggregate classification (germline): Uncertain significance. Review status: criteria provided, multiple submitters, no conflicts (2 of 4 stars). 2 submissions from 2 submitters: Uncertain significance (2). Last evaluated 2025-06-02.

Conditions:
Hereditary cancer-predisposing syndrome. Also called: Neoplastic Syndromes, Hereditary; Tumor predisposition; Hereditary Cancer Syndrome; Hereditary neoplastic syndrome. Identifiers: Orphanet 140162, MedGen C0027672, MeSH D009386, MONDO:0015356.
Gastrointestinal stromal tumor. Also called: Gastrointestinal stromal tumor, somatic; Gastrointestinal stroma tumor. Identifiers: Orphanet 44890, MedGen C0238198, MeSH D046152, MONDO:0011719, OMIM 606764, HP:0100723.

Allele frequency attached by ClinVar (database versions not stated): gnomAD exomes below 0.00001.

Submissions (2):

Labcorp Genetics (formerly Invitae), Labcorp
Classification: Uncertain significance for Gastrointestinal stromal tumor. Last evaluated: 2025-06-02. Review status: criteria provided, single submitter. Criteria: Invitae Variant Classification Sherloc (09022015). Collection method: clinical testing. Allele origin: germline.
Comment: This sequence change replaces alanine, which is neutral and non-polar, with valine, which is neutral and non-polar, at codon 482 of the KIT protein (p.Ala482Val). This variant is not present in population databases (gnomAD no frequency). This variant has not been reported in the literature in individuals affected with KIT-related conditions. ClinVar contains an entry for this variant (Variation ID: 1772789). An algorithm developed to predict the effect of missense changes on protein structure and function outputs the following: PolyPhen-2: "Benign". The valine amino acid residue is found in multiple mammalian species, which suggests that this missense change does not adversely affect protein function. In summary, the available evidence is currently insufficient to determine the role of this variant in disease. Therefore, it has been classified as a Variant of Uncertain Significance.

Ambry Genetics
Classification: Uncertain significance for Hereditary cancer-predisposing syndrome. Last evaluated: 2022-06-01. Review status: criteria provided, single submitter. Criteria: Ambry Variant Classification Scheme 2023. Collection method: clinical testing. Allele origin: germline.
Comment: The p.A482V variant (also known as c.1445C>T), located in coding exon 9 of the KIT gene, results from a C to T substitution at nucleotide position 1445. The alanine at codon 482 is replaced by valine, an amino acid with similar properties. This amino acid position is conserved. In addition, this alteration is predicted to be tolerated by in silico analysis. Since supporting evidence is limited at this time, the clinical significance of this alteration remains unclear.

NM_000222.3(KIT):c.1445C>T (p.Ala482Val)

Gene: KIT (KIT proto-oncogene, receptor tyrosine kinase; plus strand). Cytogenetic location: 4q12.
Variant type: single nucleotide variant.
Coding change: c.1445C>T on transcript NM_000222.3 (MANE Select); coding-DNA position 1445, C replaced by T.
Protein change: p.Ala482Val; replaces alanine 482 with valine.
Molecular consequence: missense variant.
Genome position (GRCh38, 1-based): chr4:54,725,955, C>T. VCF-style: chr4-54725955-C-T. GRCh37 (hg19) VCF-style: chr4-55592121-C-T.
Other names: c.1445C>T, p.Ala482Val (NM_001093772.2, NM_001385285.1, NM_001385286.1); c.1448C>T, p.Ala483Val (NM_001385284.1, NM_001385288.1, NM_001385290.1 and 1 more transcripts); short protein forms A482V, A483V.
Identifiers: ClinVar variation 1772789 (VCV001772789.3), dbSNP rs2109769025, ClinGen allele CA356906412.
Genomic context (GRCh38, chr4:54,725,955, plus strand): 5'-TAAACTCATCTGGGCCACCGTTTGGAAAGCTAGTGGTTCAGAGTTCTATAGATTCTAGTG[C>T]ATTCAAGCACAATGGCACGGTTGAATGTAAGGCTTACAACGATGTGGGCAAGACTTCTGC-3'
Protein context (NP_000213.1, residues 472-492): LVVQSSIDSS[Ala482Val]FKHNGTVECK